The following is an entry in ClinVar:

ClinVar aggregate classification (germline): Uncertain significance. Review status: criteria provided, multiple submitters, no conflicts (2 of 4 stars). 2 submissions from 2 submitters: Uncertain significance (2). Last evaluated 2025-09-26.

Conditions:
Inborn genetic diseases. Identifiers: MedGen C0950123, MeSH D030342.

Allele frequency attached by ClinVar (database versions not stated): TOPMed 0.00003; ExAC 0.00002; gnomAD exomes 0.00002; gnomAD 0.00005.
gnomAD v4.1: 41 of 1,613,964 alleles (0.0025%); highest among the groups gnomAD compares: Non-Finnish European, 0.0031%; 1 homozygote.

Submissions (2):

Ambry Genetics
Classification: Uncertain significance for Inborn genetic diseases. Last evaluated: 2025-09-26. Review status: criteria provided, single submitter. Criteria: Ambry Variant Classification Scheme 2023. Collection method: clinical testing. Allele origin: germline.

Labcorp Genetics (formerly Invitae), Labcorp
Classification: Uncertain significance. Last evaluated: 2024-11-05. Review status: criteria provided, single submitter. Criteria: Invitae Variant Classification Sherloc (09022015). Collection method: clinical testing. Allele origin: germline.
Comment: This sequence change replaces arginine, which is basic and polar, with glutamine, which is neutral and polar, at codon 315 of the ATP6V1B1 protein (p.Arg315Gln). This variant is present in population databases (rs781890958, gnomAD 0.002%). This variant has not been reported in the literature in individuals affected with ATP6V1B1-related conditions. ClinVar contains an entry for this variant (Variation ID: 2391201). Invitae Evidence Modeling of protein sequence and biophysical properties (such as structural, functional, and spatial information, amino acid conservation, physicochemical variation, residue mobility, and thermodynamic stability) indicates that this missense variant is not expected to disrupt ATP6V1B1 protein function with a negative predictive value of 95%. In summary, the available evidence is currently insufficient to determine the role of this variant in disease. Therefore, it has been classified as a Variant of Uncertain Significance.

NM_001692.4(ATP6V1B1):c.944G>A (p.Arg315Gln)

Gene: ATP6V1B1 (ATPase H+ transporting V1 subunit B1; plus strand). Cytogenetic location: 2p13.3.
Variant type: single nucleotide variant.
Coding change: c.944G>A on transcript NM_001692.4 (MANE Select); coding-DNA position 944, G replaced by A.
Protein change: p.Arg315Gln; replaces arginine 315 with glutamine.
Molecular consequence: missense variant.
Genome position (GRCh38, 1-based): chr2:70,963,196, G>A. VCF-style: chr2-70963196-G-A. GRCh37 (hg19) VCF-style: chr2-71190326-G-A.
Other names: short protein forms R315Q.
Identifiers: ClinVar variation 2391201 (VCV002391201.4), dbSNP rs781890958, ClinGen allele CA1701210.